The following is an entry in ClinVar:

ClinVar aggregate classification (germline): Uncertain significance (1 of 4 stars; one submission).

gnomAD v4.1: 2 of 1,614,216 alleles (0.00012%); highest among the groups gnomAD compares: Non-Finnish European, 0.00017%; no homozygotes.

Submission:

Labcorp Genetics (formerly Invitae), Labcorp
Classification: Uncertain significance. Last evaluated: 2025-01-28. Review status: criteria provided, single submitter. Criteria: Invitae Variant Classification Sherloc (09022015). Collection method: clinical testing. Allele origin: germline.
Comment: This sequence change replaces asparagine, which is neutral and polar, with histidine, which is basic and polar, at codon 52 of the AASS protein (p.Asn52His). This variant is not present in population databases (gnomAD no frequency). This variant has not been reported in the literature in individuals affected with AASS-related conditions. Invitae Evidence Modeling of protein sequence and biophysical properties (such as structural, functional, and spatial information, amino acid conservation, physicochemical variation, residue mobility, and thermodynamic stability) indicates that this missense variant is not expected to disrupt AASS protein function with a negative predictive value of 80%. In summary, the available evidence is currently insufficient to determine the role of this variant in disease. Therefore, it has been classified as a Variant of Uncertain Significance.

NM_005763.4(AASS):c.154A>C (p.Asn52His)

Gene: AASS (aminoadipate-semialdehyde synthase; minus strand). Cytogenetic location: 7q31.32.
Variant type: single nucleotide variant.
Coding change: c.154A>C on transcript NM_005763.4 (MANE Select); coding-DNA position 154, A replaced by C.
Protein change: p.Asn52His; replaces asparagine 52 with histidine.
Molecular consequence: missense variant.
Genome position (GRCh38, 1-based): chr7:122,133,573, T>G on the plus strand (A>C on the coding strand, the complement: AASS is on the minus strand). VCF-style: chr7-122133573-T-G. GRCh37 (hg19) VCF-style: chr7-121773627-T-G.
Other names: short protein forms N52H.
Identifiers: ClinVar variation 4768015 (VCV004768015.1).